The following is an entry in ClinVar:

NM_182914.3(SYNE2):c.1569+2T>G

Gene: SYNE2 (spectrin repeat containing nuclear envelope protein 2; plus strand). Cytogenetic location: 14q23.2.
Variant type: single nucleotide variant.
Coding change: c.1569+2T>G on transcript NM_182914.3 (MANE Select); the canonical splice donor site of the intron after coding-DNA position 1569, T replaced by G.
Molecular consequence: splice donor variant.
Genome position (GRCh38, 1-based): chr14:63,979,016, T>G. VCF-style: chr14-63979016-T-G. GRCh37 (hg19) VCF-style: chr14-64445734-T-G.
Other names: c.1569+2T>G (NM_015180.6).
Identifiers: ClinVar variation 951156 (VCV000951156.8), dbSNP rs1029219568, ClinGen allele CA261825999.

ClinVar aggregate classification (germline): Uncertain significance (1 of 4 stars; one submission).

Conditions:
Emery-Dreifuss muscular dystrophy 5, autosomal dominant (EDMD5). Also called: EMERY-DREIFUSS MUSCULAR DYSTROPHY 5. Identifiers: Orphanet 261, MedGen C2751805, MONDO:0013072, OMIM 612999.

Allele frequency attached by ClinVar (database versions not stated): TOPMed below 0.00001.
gnomAD v4.1: 1 of 1,613,512 alleles (0.000062%); highest among the groups gnomAD compares: Admixed American, 0.0017%; no homozygotes.

Submission:

Labcorp Genetics (formerly Invitae), Labcorp
Classification: Uncertain significance for Emery-Dreifuss muscular dystrophy 5, autosomal dominant. Last evaluated: 2024-02-23. Review status: criteria provided, single submitter. Criteria: Invitae Variant Classification Sherloc (09022015). Collection method: clinical testing. Allele origin: germline.
Comment: This sequence change affects a donor splice site in intron 14 of the SYNE2 gene. It is expected to disrupt RNA splicing. Variants that disrupt the donor or acceptor splice site typically lead to a loss of protein function (PMID: 16199547), however the current clinical and genetic evidence is not sufficient to establish whether loss-of-function variants in SYNE2 cause disease. This variant is not present in population databases (gnomAD no frequency). This variant has not been reported in the literature in individuals affected with SYNE2-related conditions. ClinVar contains an entry for this variant (Variation ID: 951156). Algorithms developed to predict the effect of sequence changes on RNA splicing suggest that this variant may disrupt the consensus splice site. In summary, the available evidence is currently insufficient to determine the role of this variant in disease. Therefore, it has been classified as a Variant of Uncertain Significance.

Literature cited by the submitters: PubMed 16199547.